The following is an entry in ClinVar:

ClinVar aggregate classification (germline): Uncertain significance (0 of 4 stars; one submission).

Conditions:
FRAS1-related disorder. Also called: FRAS1-related condition.

Submission:

PreventionGenetics, part of Exact Sciences
Classification: Uncertain significance for FRAS1-related condition. Last evaluated: 2024-08-28. Review status: no assertion criteria provided. Collection method: clinical testing. Allele origin: germline.
Comment: The FRAS1 c.9852C>T variant is not predicted to result in an amino acid change (p.=). This variant is predicted to alter splicing based on available splicing prediction programs (SpliceAI, Jaganathan et al. 2019. PubMed ID: 30661751). To our knowledge, this variant has not been reported in the literature or in gnomAD, indicating this variant is rare. At this time, the clinical significance of this variant is uncertain due to the absence of conclusive functional and genetic evidence.

NM_025074.7(FRAS1):c.9852C>T (p.Gly3284=)

Gene: FRAS1 (Fraser extracellular matrix complex subunit 1; plus strand). Cytogenetic location: 4q21.21.
Variant type: single nucleotide variant.
Coding change: c.9852C>T on transcript NM_025074.7 (MANE Select); coding-DNA position 9852, C replaced by T.
Protein change: p.Gly3284=; no amino-acid change (glycine 3284 retained).
Molecular consequence: synonymous variant.
Genome position (GRCh38, 1-based): chr4:78,511,345, C>T. VCF-style: chr4-78511345-C-T. GRCh37 (hg19) VCF-style: chr4-79432499-C-T.
Identifiers: ClinVar variation 3346985 (VCV003346985.1).